The following is an entry in ClinVar:

ClinVar aggregate classification (germline): Likely benign. Review status: criteria provided, single submitter (1 of 4 stars). 2 submissions from 2 submitters: Likely benign (1). 1 of the submissions does not count toward it. Last evaluated 2024-12-19.

Conditions:
KMT2D-related disorder. Also called: KMT2D-Related Disorders.
Kabuki syndrome. Also called: NIIKAWA-KUROKI SYNDROME; Kabuki make-up syndrome. Identifiers: Orphanet 2322, MedGen C0796004, MONDO:0016512.

Allele frequency attached by ClinVar (database versions not stated): ExAC 0.00001; gnomAD 0.00001; gnomAD exomes 0.00001; TOPMed 0.00002.
gnomAD v4.1: 23 of 1,612,870 alleles (0.0014%); highest among the groups gnomAD compares: Non-Finnish European, 0.0016%; no homozygotes.

Submissions (2):

Labcorp Genetics (formerly Invitae), Labcorp
Classification: Likely benign for Kabuki syndrome. Last evaluated: 2024-12-19. Review status: criteria provided, single submitter. Criteria: Invitae Variant Classification Sherloc (09022015). Collection method: clinical testing. Allele origin: germline.

PreventionGenetics, part of Exact Sciences
Classification: Likely benign for KMT2D-related condition. Last evaluated: 2023-08-18. Review status: no assertion criteria provided. Collection method: clinical testing. Allele origin: germline. Not counted in ClinVar's aggregate classification.
Comment: This variant is classified as likely benign based on ACMG/AMP sequence variant interpretation guidelines (Richards et al. 2015 PMID: 25741868, with internal and published modifications).

NM_003482.4(KMT2D):c.15156G>A (p.Leu5052=)

Gene: KMT2D (lysine methyltransferase 2D; minus strand). Cytogenetic location: 12q13.12.
Variant type: single nucleotide variant.
Coding change: c.15156G>A on transcript NM_003482.4 (MANE Select); coding-DNA position 15156, G replaced by A.
Protein change: p.Leu5052=; no amino-acid change (leucine 5052 retained).
Molecular consequence: synonymous variant.
Genome position (GRCh38, 1-based): chr12:49,026,810, C>T on the plus strand (G>A on the coding strand, the complement: KMT2D is on the minus strand). VCF-style: chr12-49026810-C-T. GRCh37 (hg19) VCF-style: chr12-49420593-C-T.
Identifiers: ClinVar variation 2181473 (VCV002181473.6), dbSNP rs756642950, ClinGen allele CA6545592.